The following is an entry in ClinVar:

NM_001103.4(ACTN2):c.784-404G>A

Gene: ACTN2 (actinin alpha 2; plus strand). Cytogenetic location: 1q43.
Variant type: single nucleotide variant.
Coding change: c.784-404G>A on transcript NM_001103.4 (MANE Select); 404 bases into the intron before coding-DNA position 784, G replaced by A.
Molecular consequence: intron variant.
Genome position (GRCh38, 1-based): chr1:236,736,718, G>A. VCF-style: chr1-236736718-G-A. GRCh37 (hg19) VCF-style: chr1-236900018-G-A.
Other names: c.784-404G>A (NM_001103.3, NM_001278343.2); c.159+50G>A (NM_001278344.2).
Identifiers: ClinVar variation 672005 (VCV000672005.3), dbSNP rs7542508, ClinGen allele CA1472949.
Genomic context (GRCh38, chr1:236,736,718, plus strand): 5'-CAAGTGCAATGGTATATCTGGATTTTCCTGCCCCAGTTATTTTTGCCTTGATTTCCAAAG[G>A]CTAATGTTATTCAGGGAGTCTCCATCCCATCGTCATGAGATCAGTGGAGAGTTCAGGTGG-3'

ClinVar aggregate classification (germline): Benign. Review status: criteria provided, multiple submitters, no conflicts (2 of 4 stars). 3 submissions from 3 submitters: Benign (3). Last evaluated 2026-09-21.

Allele frequency attached by ClinVar (database versions not stated): gnomAD 0.44418 and 0.44307; gnomAD exomes 0.48619 and 0.54835; 1000 Genomes Project 30x 0.35181; 1000 Genomes Project 0.35942; TOPMed 0.41595; ExAC 0.44083.
gnomAD v4.1: 628,350 of 1,177,234 alleles (53%); highest among the groups gnomAD compares: Non-Finnish European, 58%; 177,151 homozygotes.

Submissions (3):

Molecular Diagnostic Laboratory for Inherited Cardiovascular Disease, Montreal Heart Institute
Classification: Benign. Last evaluated: 2026-09-21. Review status: criteria provided, single submitter. Criteria: ACMG Guidelines, 2015. Collection method: clinical testing. Allele origin: germline. Affected: no.
Comment: BA1

GeneDx
Classification: Benign. Last evaluated: 2018-06-14. Review status: criteria provided, single submitter. Criteria: GeneDx Variant Classification (06012015). Collection method: clinical testing. Allele origin: germline. Affected: yes.
Comment: This variant is considered likely benign or benign based on one or more of the following criteria: it is a conservative change, it occurs at a poorly conserved position in the protein, it is predicted to be benign by multiple in silico algorithms, and/or has population frequency not consistent with disease.

Breakthrough Genomics
Classification: Benign. Review status: criteria provided, single submitter. Criteria: ACMG Guidelines, 2015. Collection method: not provided. Allele origin: germline. Inheritance: Autosomal dominant inheritance. Affected: yes.